The following is an entry in ClinVar:

ClinVar aggregate classification (germline): Pathogenic/Likely pathogenic. Review status: criteria provided, multiple submitters, no conflicts (2 of 4 stars). 2 submissions from 2 submitters: Pathogenic (1); Likely pathogenic (1). Last evaluated 2023-03-21.

Conditions:
Acute infantile liver failure due to synthesis defect of mtDNA-encoded proteins. Also called: LIVER FAILURE, INFANTILE, TRANSIENT; Liver failure acute infantile; TRMU Deficiency. Identifiers: Orphanet 217371, MedGen C3278664, MONDO:0013111, OMIM 613070.

Submissions (2):

Women's Health and Genetics/Laboratory Corporation of America, LabCorp
Classification: Likely pathogenic for Acute infantile liver failure due to synthesis defect of mtDNA-encoded proteins. Last evaluated: 2023-03-21. Review status: criteria provided, single submitter. Criteria: LabCorp Variant Classification Summary - May 2015. Collection method: clinical testing. Allele origin: germline.
Comment: Variant summary: NBAS c.4838_4839delTG (p.Val1613AspfsX4) results in a premature termination codon, predicted to cause a truncation of the encoded protein or absence of the protein due to nonsense mediated decay, which are commonly known mechanisms for disease. Truncations downstream of this position have been classified as pathogenic in ClinVar and reported in association with NBAS-related disease in HGMD. The variant allele was found at a frequency of 4e-06 in 251392 control chromosomes. The available data on variant occurrences in the general population are insufficient to allow any conclusion about variant significance. To our knowledge, no occurrence of c.4838_4839delTG in individuals affected with Liver Failure Acute Infantile, Type 2 and no experimental evidence demonstrating its impact on protein function have been reported. One clinical diagnostic laboratory has submitted clinical-significance assessments for this variant to ClinVar after 2014 and classified the variant as pathogenic. Based on the evidence outlined above, the variant was classified as likely pathogenic.

Labcorp Genetics (formerly Invitae), Labcorp
Classification: Pathogenic. Last evaluated: 2022-06-27. Review status: criteria provided, single submitter. Criteria: Invitae Variant Classification Sherloc (09022015). Collection method: clinical testing. Allele origin: germline.
Comment: For these reasons, this variant has been classified as Pathogenic. This variant has not been reported in the literature in individuals affected with NBAS-related conditions. This variant is present in population databases (no rsID available, gnomAD 0.0009%). This sequence change creates a premature translational stop signal (p.Val1613Aspfs*4) in the NBAS gene. It is expected to result in an absent or disrupted protein product. Loss-of-function variants in NBAS are known to be pathogenic (PMID: 26073778, 26541327, 27789416, 28031453).

Literature cited by the submitters: PubMed 26073778 (cited by Labcorp Genetics (formerly Invitae), Labcorp); PubMed 26541327 (cited by Labcorp Genetics (formerly Invitae), Labcorp); PubMed 27789416 (cited by Labcorp Genetics (formerly Invitae), Labcorp); PubMed 28031453 (cited by Labcorp Genetics (formerly Invitae), Labcorp).

NM_015909.4(NBAS):c.4838_4839del (p.Val1613fs)

Gene: NBAS (NBAS subunit of NRZ tethering complex; minus strand). Cytogenetic location: 2p24.3.
Variant type: Microsatellite.
Coding change: c.4838_4839del on transcript NM_015909.4 (MANE Select); coding-DNA positions 4838 to 4839, 2 bases deleted (TG; older notation c.4838_4839delTG).
Protein change: p.Val1613fs; shifts the reading frame from valine 1613.
Molecular consequence: frameshift variant. On other transcripts: non-coding transcript variant (1).
Genome position (GRCh38, 1-based): chr2:15,292,725-15,292,726, CA deleted on the plus strand (TG on the coding strand, the reverse complement: NBAS is on the minus strand); deleting any 2 consecutive bases within chr2:15,292,725-15,292,728 gives the same sequence; the c. name uses the placement nearest the transcript's 3' end. VCF-style (leftmost placement, unchanged base first): chr2-15292724-TCA-T. GRCh37 (hg19) VCF-style: chr2-15432848-TCA-T.
Other names: c.4838_4839delTG (NM_015909.3); short protein forms V1613fs.
Identifiers: ClinVar variation 2011558 (VCV002011558.5), dbSNP rs1558509149, ClinGen allele CA531314784.
Genomic context (GRCh38, chr2:15,292,724, plus strand): 5'-AGTGTAACTGCTTGGTCAGTGAAATAAGGTCTTCAGGCCAGGCTTCGTGCTCATGTCGAG[TCA>T]CATGCCTGGTGACCATCTTGATTAGTTCTTTGGGATCAGCCTATGAAAGACATGGAAAAG-3'